The following is an entry in ClinVar:

ClinVar aggregate classification (germline): Likely pathogenic. Review status: criteria provided, multiple submitters, no conflicts (2 of 4 stars). 6 submissions from 6 submitters: Likely pathogenic (5). 1 of the submissions does not count toward it. Last evaluated 2025-09-04.

Conditions:
Joubert syndrome 5 (JBTS5). Identifiers: Orphanet 2318, MedGen C1857780, MONDO:0012432, OMIM 610188.
Leber congenital amaurosis 10 (LCA10). Identifiers: Orphanet 65, MedGen C1857821, MONDO:0012723, OMIM 611755.
Senior-Loken syndrome 6 (SLSN6). Identifiers: Orphanet 3156, MedGen C1857779, MONDO:0012433, OMIM 610189.
Bardet-Biedl syndrome 14 (BBS14). Identifiers: Orphanet 110, MedGen C2673874, MONDO:0014442, OMIM 615991.
Meckel syndrome, type 4 (MKS4). Also called: MECKEL-GRUBER SYNDROME, TYPE 4. Identifiers: Orphanet 564, MedGen C1970161, MONDO:0012626, OMIM 611134.
CEP290-related disorder. Also called: CEP290-related disorders; CEP290-related condition. Identifiers: MedGen CN239314.
Nephronophthisis. Also called: Juvenile Nephronophthisis. Identifiers: Orphanet 655, MedGen C0687120, MONDO:0019005, HP:0000090.
Meckel-Gruber syndrome. Also called: DYSENCEPHALIA SPLANCHNOCYSTICA; GRUBER SYNDROME; Dysencephalia splachnocystica. Identifiers: Orphanet 564, MedGen C0265215, MONDO:0018921.
Joubert syndrome. Also called: CEREBELLOPARENCHYMAL DISORDER IV; JOUBERT-BOLTSHAUSER SYNDROME; Familial aplasia of the vermis. Identifiers: Orphanet 475, MedGen C5979921, MONDO:0018772.
Leber congenital amaurosis (LCA). Also called: Leber's amaurosis. Identifiers: Orphanet 65, MedGen C0339527, MeSH D057130, MONDO:0018998.

Allele frequency attached by ClinVar (database versions not stated): gnomAD exomes below 0.00001; ExAC 0.00001.
gnomAD v4.1: 1 of 1,601,220 alleles (0.000062%); highest among the groups gnomAD compares: Admixed American, 0.0017%; no homozygotes.

Submissions (6):

Natera, Inc.
Classification: Likely pathogenic for Leber congenital amaurosis. Last evaluated: 2025-09-04. Review status: criteria provided, single submitter. Criteria: Natera Variant Classification Schema (03/2026). Collection method: clinical testing. Allele origin: germline.
Comment: The c.102+2T>G variant in CEP290 is a canonical splice donor site variant predicted to affect pre-mRNA splicing, which may result in an abnormal transcript and altered protein product. This variant is expected to result in nonsense mediated decay, truncation, or a dysfunctional protein product. This variant is rare in the general population with a frequency below the threshold expected for the associated phenotype(s). Given the available evidence, this variant is classified as Likely Pathogenic.

Labcorp Genetics (formerly Invitae), Labcorp
Classification: Likely pathogenic for Joubert syndrome; Meckel-Gruber syndrome; Nephronophthisis. Last evaluated: 2023-10-04. Review status: criteria provided, single submitter. Criteria: Invitae Variant Classification Sherloc (09022015). Collection method: clinical testing. Allele origin: germline.
Comment: This sequence change affects a donor splice site in intron 2 of the CEP290 gene. It is expected to disrupt RNA splicing. Variants that disrupt the donor or acceptor splice site typically lead to a loss of protein function (PMID: 16199547), and loss-of-function variants in CEP290 are known to be pathogenic (PMID: 16909394, 17345604, 20690115). This variant is present in population databases (rs763226787, gnomAD 0.003%). This variant has not been reported in the literature in individuals affected with CEP290-related conditions. ClinVar contains an entry for this variant (Variation ID: 1520674). Algorithms developed to predict the effect of sequence changes on RNA splicing suggest that this variant may disrupt the consensus splice site. In summary, the currently available evidence indicates that the variant is pathogenic, but additional data are needed to prove that conclusively. Therefore, this variant has been classified as Likely Pathogenic.

Baylor Genetics
Classification: Likely pathogenic for Bardet-Biedl syndrome 14. Last evaluated: 2023-09-13. Review status: criteria provided, single submitter. Criteria: ACMG Guidelines, 2015. Collection method: clinical testing. Allele origin: unknown.

Women's Health and Genetics/Laboratory Corporation of America, LabCorp
Classification: Likely pathogenic for CEP290-related disorder. Last evaluated: 2023-03-22. Review status: criteria provided, single submitter. Criteria: LabCorp Variant Classification Summary - May 2015. Collection method: clinical testing. Allele origin: germline.
Comment: Variant summary: CEP290 c.102+2T>G is located in a canonical splice-site and is predicted to affect mRNA splicing resulting in a significantly altered protein due to either exon skipping, shortening, or inclusion of intronic material. One in-silico tool predict damaging effect on splicing (TrAP score 0.94). however these predictions have not been experimentally validated. The variant allele was found at a frequency of 4.1e-06 in 242760 control chromosomes (gnomAD). To our knowledge, no occurrence of c.102+2T>G in individuals affected with CEP290-Related Disorders and no experimental evidence demonstrating its impact on protein function have been reported. Two clinical diagnostic laboratories have submitted clinical-significance assessments for this variant to ClinVar after 2014 and classified the variant as likely pathogenic. Based on the evidence outlined above, the variant was classified as likely pathogenic.

Fulgent Genetics
Classification: Likely pathogenic for Joubert syndrome 5; Senior-Loken syndrome 6; Meckel syndrome, type 4; Leber congenital amaurosis 10; Bardet-Biedl syndrome 14. Last evaluated: 2022-05-10. Review status: criteria provided, single submitter. Criteria: ACMG Guidelines, 2015. Collection method: clinical testing. Allele origin: unknown.

PreventionGenetics, part of Exact Sciences
Classification: Likely pathogenic for CEP290-related condition. Last evaluated: 2024-05-02. Review status: no assertion criteria provided. Collection method: clinical testing. Allele origin: germline. Not counted in ClinVar's aggregate classification.
Comment: The CEP290 c.102+2T>G variant is predicted to disrupt the GT donor site and interfere with normal splicing. To our knowledge this variant has not been previously reported in literature. This variant is reported in 0.0030% of alleles in individuals of Latino descent in gnomAD. Variants that disrupt the consensus splice donor site in CEP290 are expected to be pathogenic. This variant is interpreted as likely pathogenic.

Literature cited by the submitters: PubMed 16199547 (cited by Labcorp Genetics (formerly Invitae), Labcorp); PubMed 16909394 (cited by Labcorp Genetics (formerly Invitae), Labcorp); PubMed 17345604 (cited by Labcorp Genetics (formerly Invitae), Labcorp); PubMed 20690115 (cited by Labcorp Genetics (formerly Invitae), Labcorp).

NM_025114.4(CEP290):c.102+2T>G

Gene: CEP290 (centrosomal protein 290; minus strand). Cytogenetic location: 12q21.32.
Variant type: single nucleotide variant.
Coding change: c.102+2T>G on transcript NM_025114.4 (MANE Select); the canonical splice donor site of the intron after coding-DNA position 102, T replaced by G.
Molecular consequence: splice donor variant.
Genome position (GRCh38, 1-based): chr12:88,141,204, A>C on the plus strand (T>G on the coding strand, the complement: CEP290 is on the minus strand). VCF-style: chr12-88141204-A-C. GRCh37 (hg19) VCF-style: chr12-88534981-A-C.
Other names: c.102+2T>G (NM_025114.3).
Identifiers: ClinVar variation 1520674 (VCV001520674.13), dbSNP rs763226787, ClinGen allele CA6712915.